The following is an entry in ClinVar:

ClinVar aggregate classification (germline): Pathogenic. Review status: criteria provided, multiple submitters, no conflicts (2 of 4 stars). 2 submissions from 2 submitters: Pathogenic (2). Last evaluated 2023-08-04.

Conditions:
Cornelia de Lange syndrome 1 (CDLS1). Also called: Brachmann de Lange syndrome; TYPUS DEGENERATIVUS AMSTELODAMENSIS; NIPBL-Related Cornelia de Lange Syndrome. Identifiers: Orphanet 199, MedGen C4551851, MONDO:0007387, OMIM 122470.

Submissions (2):

Labcorp Genetics (formerly Invitae), Labcorp
Classification: Pathogenic for Cornelia de Lange syndrome 1. Last evaluated: 2023-08-04. Review status: criteria provided, single submitter. Criteria: Invitae Variant Classification Sherloc (09022015). Collection method: clinical testing. Allele origin: germline.
Comment: For these reasons, this variant has been classified as Pathogenic. This variant has not been reported in the literature in individuals affected with NIPBL-related conditions. This variant is not present in population databases (gnomAD no frequency). This sequence change creates a premature translational stop signal (p.Thr1409Asnfs*20) in the NIPBL gene. It is expected to result in an absent or disrupted protein product. Loss-of-function variants in NIPBL are known to be pathogenic (PMID: 15318302, 19763162, 23505322, 29995837).

Kasturba Medical College, Manipal, Kasturba Medical College, Manipal, Manipal Academy of Higher Education, Manipal, India
Classification: Pathogenic for Cornelia de Lange syndrome 1. Review status: criteria provided, single submitter. Criteria: ACMG Guidelines, 2015. Collection method: clinical testing. Allele origin: de novo. Inheritance: Autosomal dominant inheritance. Affected: yes. Observed: 1 heterozygote.
Comment: . In silico analysis tools (SIFT, Mutation taster) predict that this sequence change introduces a premature stop codon that may result in a truncated protein or a transcript that may undergo nonsense-mediated mRNA decay.

Literature cited by the submitters: PubMed 15318302 (cited by Labcorp Genetics (formerly Invitae), Labcorp); PubMed 19763162 (cited by Labcorp Genetics (formerly Invitae), Labcorp); PubMed 23505322 (cited by Labcorp Genetics (formerly Invitae), Labcorp); PubMed 29995837 (cited by Labcorp Genetics (formerly Invitae), Labcorp).

NM_133433.4(NIPBL):c.4226_4227del (p.Thr1409fs)

Gene: NIPBL (NIPBL cohesin loading factor; plus strand). Cytogenetic location: 5p13.2.
Variant type: Microsatellite.
Coding change: c.4226_4227del on transcript NM_133433.4 (MANE Select); coding-DNA positions 4226 to 4227, 2 bases deleted (CA; older notation c.4226_4227delCA).
Protein change: p.Thr1409fs; shifts the reading frame from threonine 1409.
Molecular consequence: frameshift variant.
Genome position (GRCh38, 1-based): chr5:37,007,461-37,007,462, CA deleted; deleting any 2 consecutive bases within chr5:37,007,458-37,007,462 gives the same sequence; the c. name uses the placement nearest the transcript's 3' end. VCF-style (leftmost placement, unchanged base first): chr5-37007457-GAC-G. GRCh37 (hg19) VCF-style: chr5-37007559-GAC-G.
Other names: c.4226_4227del, p.Thr1409fs (NM_015384.5); short protein forms T1409fs.
Identifiers: ClinVar variation 2750230 (VCV002750230.5), dbSNP rs2478158664, ClinGen allele CA645547473.